The following is an entry in ClinVar:

ClinVar aggregate classification (germline): Uncertain significance (1 of 4 stars; one submission).

Submission:

Labcorp Genetics (formerly Invitae), Labcorp
Classification: Uncertain significance. Last evaluated: 2024-05-29. Review status: criteria provided, single submitter. Criteria: Invitae Variant Classification Sherloc (09022015). Collection method: clinical testing. Allele origin: germline.
Comment: This sequence change replaces aspartic acid, which is acidic and polar, with glycine, which is neutral and non-polar, at codon 153 of the PITPNM3 protein (p.Asp153Gly). This variant is not present in population databases (gnomAD no frequency). This variant has not been reported in the literature in individuals affected with PITPNM3-related conditions. ClinVar contains an entry for this variant (Variation ID: 2087568). Advanced modeling of protein sequence and biophysical properties (such as structural, functional, and spatial information, amino acid conservation, physicochemical variation, residue mobility, and thermodynamic stability) performed at Invitae indicates that this missense variant is expected to disrupt PITPNM3 protein function with a positive predictive value of 80%. In summary, the available evidence is currently insufficient to determine the role of this variant in disease. Therefore, it has been classified as a Variant of Uncertain Significance.

NM_031220.4(PITPNM3):c.458A>G (p.Asp153Gly)

Gene: PITPNM3 (PITPNM family member 3; minus strand). Cytogenetic location: 17p13.2.
Variant type: single nucleotide variant.
Coding change: c.458A>G on transcript NM_031220.4 (MANE Select); coding-DNA position 458, A replaced by G.
Protein change: p.Asp153Gly; replaces aspartic acid 153 with glycine.
Molecular consequence: missense variant.
Genome position (GRCh38, 1-based): chr17:6,483,646, T>C on the plus strand (A>G on the coding strand, the complement: PITPNM3 is on the minus strand). VCF-style: chr17-6483646-T-C. GRCh37 (hg19) VCF-style: chr17-6386966-T-C.
Other names: c.350A>G, p.Asp117Gly (NM_001165966.2); short protein forms D117G, D153G.
Identifiers: ClinVar variation 2087568 (VCV002087568.4), dbSNP rs2544032372, ClinGen allele CA397410909.
Genomic context (GRCh38, chr17:6,483,646, plus strand): 5'-AGGGCAGCAGGGAAATGGGCTCGTGTGACCTTCTCCAGCACGGAGCTGAAGGTGTGGATG[T>C]CGGCTGCCTTGCAGGACGGGTCCCCGGCACCCGTGTCCAGGATGTTTCCCCCATGCAGGA-3'
Protein context (NP_112497.2, residues 143-163): GAGDPSCKAA[Asp153Gly]IHTFSSVLEK